The following is an entry in ClinVar:

NM_201384.3(PLEC):c.5150G>A (p.Arg1717Gln)

Gene: PLEC (plectin; minus strand). Cytogenetic location: 8q24.3.
Variant type: single nucleotide variant.
Coding change: c.5150G>A on transcript NM_201384.3 (MANE Select); coding-DNA position 5150, G replaced by A.
Protein change: p.Arg1717Gln; replaces arginine 1717 with glutamine.
Molecular consequence: missense variant.
Genome position (GRCh38, 1-based): chr8:143,924,779, C>T on the plus strand (G>A on the coding strand, the complement: PLEC is on the minus strand). VCF-style: chr8-143924779-C-T. GRCh37 (hg19) VCF-style: chr8-144998947-C-T.
Other names: c.5231G>A, p.Arg1744Gln (NM_000445.5); c.5108G>A, p.Arg1703Gln (NM_201378.4); c.5084G>A, p.Arg1695Gln (NM_201379.3); c.5561G>A, p.Arg1854Gln (NM_201380.4); c.5054G>A, p.Arg1685Gln (NM_201381.3); c.5150G>A, p.Arg1717Gln (NM_201382.4); c.5162G>A, p.Arg1721Gln (NM_201383.3); short protein forms R1703Q, R1717Q, R1854Q, R1685Q, R1695Q, R1721Q, R1744Q.
Identifiers: ClinVar variation 290663 (VCV000290663.11), dbSNP rs150384680, ClinGen allele CA4926415.

ClinVar aggregate classification (germline): Uncertain significance. Review status: criteria provided, multiple submitters, no conflicts (2 of 4 stars). 2 submissions from 2 submitters: Uncertain significance (2). Last evaluated 2024-04-25.

Conditions:
Epidermolysis bullosa simplex, Ogna type (EBS5A). Also called: Pidermolysis bullosa simplex 5A, Ogna type; EPIDERMOLYSIS BULLOSA SIMPLEX 5A, OGNA TYPE. Identifiers: Orphanet 79401, MedGen C0432317, MONDO:0007555, OMIM 131950.
Epidermolysis bullosa simplex 5C, with pyloric atresia (EBS5C). Also called: PLEC-Related Epidermolysis Bullosa with Pyloric Atresia; Epidermolysis bullosa simplex with pyloric atresia; PLEC1-Related Epidermolysis Bullosa with Pyloric Atresia. Identifiers: Orphanet 158684, MedGen C2677349, MONDO:0012807, OMIM 612138.
Autosomal recessive limb-girdle muscular dystrophy type 2Q (LGMDR17). Also called: MUSCULAR DYSTROPHY, LIMB-GIRDLE, AUTOSOMAL RECESSIVE 17. Identifiers: Orphanet 254361, MedGen C3150989, MONDO:0013390, OMIM 613723.
Epidermolysis bullosa simplex 5B, with muscular dystrophy (EBS5B). Also called: EPIDERMOLYSIS BULLOSA SIMPLEX AND LIMB-GIRDLE MUSCULAR DYSTROPHY; Epidermolysis bullosa simplex with muscular dystrophy. Identifiers: Orphanet 257, MedGen C2931072, MONDO:0009181, OMIM 226670.
Epidermolysis bullosa simplex with nail dystrophy (EBS5D). Identifiers: MedGen C4225309, MONDO:0014661, OMIM 616487.

Allele frequency attached by ClinVar (database versions not stated): ExAC below 0.00001; gnomAD exomes 0.00002; TOPMed 0.00002; gnomAD 0.00003; 1000 Genomes Project 30x 0.00016.
gnomAD v4.1: 59 of 1,535,474 alleles (0.0038%); highest among the groups gnomAD compares: Non-Finnish European, 0.0051%; no homozygotes.

Submissions (2):

Labcorp Genetics (formerly Invitae), Labcorp
Classification: Uncertain significance for Autosomal recessive limb-girdle muscular dystrophy type 2Q; Epidermolysis bullosa simplex, Ogna type; Epidermolysis bullosa simplex with nail dystrophy; Epidermolysis bullosa simplex 5C, with pyloric atresia; Epidermolysis bullosa simplex 5B, with muscular dystrophy. Last evaluated: 2024-04-25. Review status: criteria provided, single submitter. Criteria: Invitae Variant Classification Sherloc (09022015). Collection method: clinical testing. Allele origin: germline.
Comment: This sequence change replaces arginine, which is basic and polar, with glutamine, which is neutral and polar, at codon 1744 of the PLEC protein (p.Arg1744Gln). This variant is present in population databases (rs150384680, gnomAD 0.004%). This variant has not been reported in the literature in individuals affected with PLEC-related conditions. ClinVar contains an entry for this variant (Variation ID: 290663). Advanced modeling of protein sequence and biophysical properties (such as structural, functional, and spatial information, amino acid conservation, physicochemical variation, residue mobility, and thermodynamic stability) performed at Invitae indicates that this missense variant is not expected to disrupt PLEC protein function with a negative predictive value of 80%. In summary, the available evidence is currently insufficient to determine the role of this variant in disease. Therefore, it has been classified as a Variant of Uncertain Significance.

Eurofins Ntd Llc (ga)
Classification: Uncertain significance. Last evaluated: 2016-08-29. Review status: criteria provided, single submitter. Criteria: EGL Classification Definitions 2015. Collection method: clinical testing. Allele origin: germline. Observed: 1 variant allele, 1 heterozygote.